The following is an entry in ClinVar:

ClinVar aggregate classification (germline): Uncertain significance (1 of 4 stars; one submission).

Conditions:
Familial adenomatous polyposis 1 (FAP1). Also called: POLYPOSIS, ADENOMATOUS INTESTINAL; FAMILIAL ADENOMATOUS POLYPOSIS 1, ATTENUATED. Identifiers: MedGen C2713442, MONDO:0021056, OMIM 175100. Disease mechanism: loss of function.

Submission:

Labcorp Genetics (formerly Invitae), Labcorp
Classification: Uncertain significance for Familial adenomatous polyposis 1. Last evaluated: 2022-04-28. Review status: criteria provided, single submitter. Criteria: Invitae Variant Classification Sherloc (09022015). Collection method: clinical testing. Allele origin: germline.
Comment: In summary, the available evidence is currently insufficient to determine the role of this variant in disease. Therefore, it has been classified as a Variant of Uncertain Significance. Algorithms developed to predict the effect of missense changes on protein structure and function output the following: SIFT: "Tolerated"; PolyPhen-2: "Benign"; Align-GVGD: "Class C0". The alanine amino acid residue is found in multiple mammalian species, which suggests that this missense change does not adversely affect protein function. This variant has not been reported in the literature in individuals affected with APC-related conditions. This variant is not present in population databases (gnomAD no frequency). This sequence change replaces glycine, which is neutral and non-polar, with alanine, which is neutral and non-polar, at codon 1921 of the APC protein (p.Gly1921Ala).

NM_000038.6(APC):c.5762G>C (p.Gly1921Ala)

Gene: APC (APC regulator of Wnt signaling pathway; plus strand). Cytogenetic location: 5q22.2.
Variant type: single nucleotide variant.
Coding change: c.5762G>C on transcript NM_000038.6 (MANE Select); coding-DNA position 5762, G replaced by C.
Protein change: p.Gly1921Ala; replaces glycine 1921 with alanine.
Molecular consequence: missense variant.
Genome position (GRCh38, 1-based): chr5:112,841,356, G>C. VCF-style: chr5-112841356-G-C. GRCh37 (hg19) VCF-style: chr5-112177053-G-C.
Other names: c.5762G>C, p.Gly1921Ala (NM_001127510.3, NM_001354895.2, NM_001407450.1); c.5708G>C, p.Gly1903Ala (NM_001127511.3); c.5816G>C, p.Gly1939Ala (NM_001354896.2, NM_001407447.1, NM_001407448.1 and 1 more transcripts); c.5792G>C, p.Gly1931Ala (NM_001354897.2); c.5687G>C, p.Gly1896Ala (NM_001354898.2); c.5678G>C, p.Gly1893Ala (NM_001354899.2); c.5639G>C, p.Gly1880Ala (NM_001354900.2); c.5585G>C, p.Gly1862Ala (NM_001354901.2, NM_001407453.1); and 11 more; short protein forms G1792A, G1795A, G1838A, G1896A, G1903A, G1638A, G1820A, G1880A.
Identifiers: ClinVar variation 2131109 (VCV002131109.4), dbSNP rs786204093, ClinGen allele CA16033940.
Genomic context (GRCh38, chr5:112,841,356, plus strand): 5'-CCTCCAACCAACAATCAGCTAATAAGACACAAGCTATTGCAAAGCAGCCAATAAATCGAG[G>C]TCAGCCTAAACCCATACTTCAGAAACAATCCACTTTTCCCCAGTCATCCAAAGACATACC-3'
Protein context (NP_000029.2, residues 1911-1931): QAIAKQPINR[Gly1921Ala]QPKPILQKQS